The following is an entry in ClinVar:

ClinVar aggregate classification (germline): Pathogenic. Review status: criteria provided, multiple submitters, no conflicts (2 of 4 stars). 3 submissions from 3 submitters: Pathogenic (3). Last evaluated 2022-03-15.

Conditions:
Neurofibromatosis, type 1 (NF1). Also called: VON RECKLINGHAUSEN DISEASE; NEUROFIBROMATOSIS, TYPE I, SOMATIC; Peripheral type neurofibromatosis; Neurofibromatosis, type I. Identifiers: Orphanet 636, MedGen C0027831, MONDO:0018975, OMIM 162200. Disease mechanism: loss of function.

Submissions (3):

Genome-Nilou Lab
Classification: Pathogenic for Neurofibromatosis, type 1. Last evaluated: 2022-03-15. Review status: criteria provided, single submitter. Criteria: ACMG Guidelines, 2015. Collection method: clinical testing. Allele origin: germline. Affected: no.

Labcorp Genetics (formerly Invitae), Labcorp
Classification: Pathogenic for Neurofibromatosis, type 1. Last evaluated: 2021-10-16. Review status: criteria provided, single submitter. Criteria: Invitae Variant Classification Sherloc (09022015). Collection method: clinical testing. Allele origin: germline.
Comment: For these reasons, this variant has been classified as Pathogenic. Algorithms developed to predict the effect of sequence changes on RNA splicing suggest that this variant may create or strengthen a splice site. ClinVar contains an entry for this variant (Variation ID: 915297). This variant has not been reported in the literature in individuals affected with NF1-related conditions. This variant is not present in population databases (ExAC no frequency). This sequence change creates a premature translational stop signal (p.Leu276*) in the NF1 gene. It is expected to result in an absent or disrupted protein product. Loss-of-function variants in NF1 are known to be pathogenic (PMID: 10712197, 23913538).

Genomic Research Center, Shahid Beheshti University of Medical Sciences
Classification: Pathogenic for Neurofibromatosis, type 1. Last evaluated: 2020-05-03. Review status: criteria provided, single submitter. Criteria: ACMG Guidelines, 2015. Collection method: clinical testing. Allele origin: unknown. Affected: yes.

Literature cited by the submitters: PubMed 10712197 (cited by Labcorp Genetics (formerly Invitae), Labcorp); PubMed 23913538 (cited by Labcorp Genetics (formerly Invitae), Labcorp).

NM_001042492.3(NF1):c.827T>A (p.Leu276Ter)

Gene: NF1 (neurofibromin 1; plus strand). Cytogenetic location: 17q11.2.
Variant type: single nucleotide variant.
Coding change: c.827T>A on transcript NM_001042492.3 (MANE Select); coding-DNA position 827, T replaced by A.
Protein change: p.Leu276Ter; replaces leucine 276 with a stop codon.
Molecular consequence: nonsense.
Genome position (GRCh38, 1-based): chr17:31,182,604, T>A. VCF-style: chr17-31182604-T-A. GRCh37 (hg19) VCF-style: chr17-29509622-T-A.
Other names: c.827T>A, p.Leu276Ter (NM_001128147.3, NM_000267.4); short protein forms L276*.
Identifiers: ClinVar variation 915297 (VCV000915297.9), dbSNP rs2066158230, ClinGen allele CA398991013.
Genomic context (GRCh38, chr17:31,182,604, plus strand): 5'-TTGCTGAAAGCACCAAACGTAAAGCAGCAGTTTGGCCACTACAAATCATTCTCCTTATCT[T>A]GTGTCCAGAAATAATCCAGGATATATCCAAAGACGTGGTTGATGAAAACAACATGAATAA-3'